The following is an entry in ClinVar:

NM_000466.3(PEX1):c.2738_2741dup (p.Tyr914Ter)

Gene: PEX1 (peroxisomal biogenesis factor 1; minus strand). Cytogenetic location: 7q21.2.
Variant type: Duplication.
Coding change: c.2738_2741dup on transcript NM_000466.3 (MANE Select); coding-DNA positions 2738 to 2741, 4 bases duplicated (AATA; older notation c.2738_2741dupAATA).
Protein change: p.Tyr914Ter; replaces tyrosine 914 with a stop codon.
Molecular consequence: nonsense.
Genome position (GRCh38, 1-based): chr7:92,496,755-92,496,758, TATT duplicated on the plus strand (AATA on the coding strand, the reverse complement: PEX1 is on the minus strand); duplicating any 4 consecutive bases within chr7:92,496,755-92,496,759 gives the same sequence; the c. name uses the placement nearest the transcript's 3' end. VCF-style (leftmost placement, unchanged base first): chr7-92496754-G-GTATT. GRCh37 (hg19) VCF-style: chr7-92126068-G-GTATT.
Other names: c.2567_2570dup, p.Tyr857Ter (NM_001282677.2); c.2114_2117dup, p.Tyr706Ter (NM_001282678.2); short protein forms Y706*, Y857*, Y914*.
Identifiers: ClinVar variation 1070990 (VCV001070990.7), dbSNP rs2116110975, ClinGen allele CA2499219050.

ClinVar aggregate classification (germline): Pathogenic (1 of 4 stars; one submission).

Conditions:
Zellweger spectrum disorders (ZS). Also called: Zellweger syndrome; Zellweger Spectrum Disorder; Zellweger Spectrum; Zellweger Spectrum Disorder (ZSD). Identifiers: Orphanet 912, MedGen C0043459, MONDO:0019609.

Submission:

Labcorp Genetics (formerly Invitae), Labcorp
Classification: Pathogenic for Zellweger spectrum disorders. Last evaluated: 2020-10-04. Review status: criteria provided, single submitter. Criteria: Invitae Variant Classification Sherloc (09022015). Collection method: clinical testing. Allele origin: germline.
Comment: This sequence change creates a premature translational stop signal (p.Tyr914*) in the PEX1 gene. It is expected to result in an absent or disrupted protein product. This variant is not present in population databases (ExAC no frequency). For these reasons, this variant has been classified as Pathogenic. Loss-of-function variants in PEX1 are known to be pathogenic (PMID: 9398847, 16086329, 16141001, 21031596, 26387595, 31831025). This variant has not been reported in the literature in individuals with PEX1-related conditions.

Literature cited by the submitters: PubMed 9398847; PubMed 16086329; PubMed 16141001; PubMed 21031596; PubMed 26387595; PubMed 31831025.